The following is an entry in ClinVar:

ClinVar aggregate classification (germline): Uncertain significance. Review status: criteria provided, multiple submitters, no conflicts (2 of 4 stars). 2 submissions from 2 submitters: Uncertain significance (2). Last evaluated 2025-10-27.

Conditions:
Fanconi anemia (FA). Also called: Fanconi's anemia. Identifiers: Orphanet 84, MedGen C0015625, MeSH D005199, MONDO:0019391.
Inborn genetic diseases. Identifiers: MedGen C0950123, MeSH D030342.

Submissions (2):

Labcorp Genetics (formerly Invitae), Labcorp
Classification: Uncertain significance for Fanconi anemia. Last evaluated: 2025-10-27. Review status: criteria provided, single submitter. Criteria: Invitae Variant Classification Sherloc (09022015). Collection method: clinical testing. Allele origin: germline.
Comment: This sequence change replaces aspartic acid, which is acidic and polar, with glycine, which is neutral and non-polar, at codon 1032 of the FANCM protein (p.Asp1032Gly). This variant is not present in population databases (gnomAD no frequency). This variant has not been reported in the literature in individuals affected with FANCM-related conditions. ClinVar contains an entry for this variant (Variation ID: 1495519). An algorithm developed to predict the effect of missense changes on protein structure and function (PolyPhen-2) suggests that this variant is likely to be tolerated. In summary, the available evidence is currently insufficient to determine the role of this variant in disease. Therefore, it has been classified as a Variant of Uncertain Significance.

Ambry Genetics
Classification: Uncertain significance for Inborn genetic diseases. Last evaluated: 2025-01-03. Review status: criteria provided, single submitter. Criteria: Ambry Variant Classification Scheme 2023. Collection method: clinical testing. Allele origin: germline.
Comment: The p.D1032G variant (also known as c.3095A>G), located in coding exon 14 of the FANCM gene, results from an A to G substitution at nucleotide position 3095. The aspartic acid at codon 1032 is replaced by glycine, an amino acid with similar properties. This amino acid position is conserved. In addition, this alteration is predicted to be tolerated by in silico analysis. Based on the available evidence, the clinical significance of this variant remains unclear.

NM_020937.4(FANCM):c.3095A>G (p.Asp1032Gly)

Gene: FANCM (FA complementation group M; plus strand). Cytogenetic location: 14q21.2.
Variant type: single nucleotide variant.
Coding change: c.3095A>G on transcript NM_020937.4 (MANE Select); coding-DNA position 3095, A replaced by G.
Protein change: p.Asp1032Gly; replaces aspartic acid 1032 with glycine.
Molecular consequence: missense variant.
Genome position (GRCh38, 1-based): chr14:45,175,849, A>G. VCF-style: chr14-45175849-A-G. GRCh37 (hg19) VCF-style: chr14-45645052-A-G.
Other names: c.3017A>G, p.Asp1006Gly (NM_001308133.2); c.3095A>G (NM_020937.2); short protein forms D1006G, D1032G.
Identifiers: ClinVar variation 1495519 (VCV001495519.10), dbSNP rs776989238, ClinGen allele CA389599849.
Genomic context (GRCh38, chr14:45,175,849, plus strand): 5'-CTAAGGGTACTGCACTTGAGAATTTGCTTTTCTTACCCTGTGCAGAGCATTTACGAAGTG[A>G]TAAATGCACCTGTTTGCTGTCACATTCAGCTGTGAATTCTCAACAGAATTTAGAATTGAA-3'
Protein context (NP_065988.1, residues 1022-1042): FLPCAEHLRS[Asp1032Gly]KCTCLLSHSA